The following is an entry in ClinVar:

ClinVar aggregate classification (germline): Likely benign. Review status: criteria provided, multiple submitters, no conflicts (2 of 4 stars). 3 submissions from 3 submitters: Likely benign (3). Last evaluated 2024-11-19.

Allele frequency attached by ClinVar (database versions not stated): gnomAD 0.00009 and 0.00010; TOPMed 0.00010; ESP Exome Variant Server 0.00015.
gnomAD v4.1: 162 of 1,611,822 alleles (0.01%); highest among the groups gnomAD compares: Non-Finnish European, 0.012%; 1 homozygote.

Submissions (3):

Blueprint Genetics
Classification: Likely benign. Last evaluated: 2024-11-19. Review status: criteria provided, single submitter. Criteria: ACMG Guidelines, 2015. Collection method: clinical testing. Allele origin: germline.

CeGaT Center for Human Genetics Tuebingen
Classification: Likely benign. Last evaluated: 2023-03-01. Review status: criteria provided, single submitter. Criteria: CeGaT Center For Human Genetics Tuebingen Variant Classification Criteria Version 2. Collection method: clinical testing. Allele origin: germline. Affected: yes. Observed: 1 variant allele.
Comment: GRIK2: BP4, BP7

Genetic Services Laboratory, University of Chicago
Classification: Likely benign. Last evaluated: 2016-04-25. Review status: criteria provided, single submitter. Criteria: ACMG Guidelines, 2015. Collection method: clinical testing. Allele origin: germline. Affected: no.

NM_021956.5(GRIK2):c.1266G>A (p.Ala422=)

Gene: GRIK2 (glutamate ionotropic receptor kainate type subunit 2; plus strand). Cytogenetic location: 6q16.3.
Variant type: single nucleotide variant.
Coding change: c.1266G>A on transcript NM_021956.5 (MANE Select); coding-DNA position 1266, G replaced by A.
Protein change: p.Ala422=; no amino-acid change (alanine 422 retained).
Molecular consequence: synonymous variant.
Genome position (GRCh38, 1-based): chr6:101,818,432, G>A. VCF-style: chr6-101818432-G-A. GRCh37 (hg19) VCF-style: chr6-102266307-G-A.
Other names: c.1266G>A, p.Ala422= (NM_001166247.1, NM_175768.3).
Identifiers: ClinVar variation 435366 (VCV000435366.31), dbSNP rs376836256, ClinGen allele CA3939556.